The following is an entry in ClinVar:

NM_001164508.2(NEB):c.24983A>G (p.Asn8328Ser)

Genes: NEB (nebulin; minus strand), RIF1 (replication timing regulatory factor 1; plus strand). Cytogenetic location: 2q23.3.
Variant type: single nucleotide variant.
Coding change: c.24983A>G on transcript NM_001164508.2 (MANE Select); coding-DNA position 24983, A replaced by G.
Protein change: p.Asn8328Ser; replaces asparagine 8328 with serine.
Molecular consequence: missense variant.
Genome position (GRCh38, 1-based): chr2:151,492,172, T>C on the plus strand (A>G on the coding strand, the complement: NEB is on the minus strand). VCF-style: chr2-151492172-T-C. GRCh37 (hg19) VCF-style: chr2-152348686-T-C.
Other names: c.24983A>G, p.Asn8328Ser (NM_001164507.2); c.25088A>G, p.Asn8363Ser (NM_001271208.2); c.19415A>G, p.Asn6472Ser (NM_004543.5); short protein forms N6472S, N8328S, N8363S.
Identifiers: ClinVar variation 3660415 (VCV003660415.3).

ClinVar aggregate classification (germline): Uncertain significance. Review status: criteria provided, multiple submitters, no conflicts (2 of 4 stars). 2 submissions from 2 submitters: Uncertain significance (2). Last evaluated 2024-12-18.

Conditions:
Nemaline myopathy 2 (NEM2). Also called: Nemaline myopathy 2, autosomal recessive. Identifiers: MedGen C1850569, MONDO:0009725, OMIM 256030.

Submissions (2):

GeneDx
Classification: Uncertain significance. Last evaluated: 2024-12-18. Review status: criteria provided, single submitter. Criteria: GeneDx Variant Classification Process June 2021. Collection method: clinical testing. Allele origin: germline. Affected: yes.
Comment: Not observed at significant frequency in large population cohorts (gnomAD); In silico analysis indicates that this missense variant does not alter protein structure/function; Has not been previously published as pathogenic or benign to our knowledge

Labcorp Genetics (formerly Invitae), Labcorp
Classification: Uncertain significance for Nemaline myopathy 2. Last evaluated: 2024-07-24. Review status: criteria provided, single submitter. Criteria: Invitae Variant Classification Sherloc (09022015). Collection method: clinical testing. Allele origin: germline.
Comment: This sequence change replaces asparagine, which is neutral and polar, with serine, which is neutral and polar, at codon 8363 of the NEB protein (p.Asn8363Ser). This variant is not present in population databases (gnomAD no frequency). This variant has not been reported in the literature in individuals affected with NEB-related conditions. An algorithm developed to predict the effect of missense changes on protein structure and function outputs the following: PolyPhen-2: "Not Available". The serine amino acid residue is found in multiple mammalian species, which suggests that this missense change does not adversely affect protein function. In summary, the available evidence is currently insufficient to determine the role of this variant in disease. Therefore, it has been classified as a Variant of Uncertain Significance.